The following is an entry in ClinVar:

NM_003737.4(DCHS1):c.8624G>A (p.Arg2875Gln)

Gene: DCHS1 (dachsous cadherin-related 1; minus strand). Cytogenetic location: 11p15.4.
Variant type: single nucleotide variant.
Coding change: c.8624G>A on transcript NM_003737.4 (MANE Select); coding-DNA position 8624, G replaced by A.
Protein change: p.Arg2875Gln; replaces arginine 2875 with glutamine.
Molecular consequence: missense variant.
Genome position (GRCh38, 1-based): chr11:6,623,052, C>T on the plus strand (G>A on the coding strand, the complement: DCHS1 is on the minus strand). VCF-style: chr11-6623052-C-T. GRCh37 (hg19) VCF-style: chr11-6644283-C-T.
Other names: short protein forms R2875Q.
Identifiers: ClinVar variation 1020818 (VCV001020818.30), dbSNP rs772552501, ClinGen allele CA5859390.

ClinVar aggregate classification (germline): Conflicting classifications of pathogenicity. Review status: criteria provided, conflicting classifications (1 of 4 stars). 2 submissions from 2 submitters: Uncertain significance (1); Likely benign (1). Last evaluated 2026-01-09.

Allele frequency attached by ClinVar (database versions not stated): ExAC 0.00003; gnomAD 0.00005; gnomAD exomes 0.00005; TOPMed 0.00006.
gnomAD v4.1: 126 of 1,578,094 alleles (0.008%); highest among the groups gnomAD compares: South Asian, 0.019%; no homozygotes.

Submissions (2):

Labcorp Genetics (formerly Invitae), Labcorp
Classification: Uncertain significance. Last evaluated: 2026-01-09. Review status: criteria provided, single submitter. Criteria: Invitae Variant Classification Sherloc (09022015). Collection method: clinical testing. Allele origin: germline.
Comment: This sequence change replaces arginine, which is basic and polar, with glutamine, which is neutral and polar, at codon 2875 of the DCHS1 protein (p.Arg2875Gln). This variant is present in population databases (rs772552501, gnomAD 0.008%). This variant has not been reported in the literature in individuals affected with DCHS1-related conditions. ClinVar contains an entry for this variant (Variation ID: 1020818). Invitae Evidence Modeling of protein sequence and biophysical properties (such as structural, functional, and spatial information, amino acid conservation, physicochemical variation, residue mobility, and thermodynamic stability) indicates that this missense variant is not expected to disrupt DCHS1 protein function with a negative predictive value of 95%. In summary, the available evidence is currently insufficient to determine the role of this variant in disease. Therefore, it has been classified as a Variant of Uncertain Significance.

CeGaT Center for Human Genetics Tuebingen
Classification: Likely benign. Last evaluated: 2024-02-01. Review status: criteria provided, single submitter. Criteria: CeGaT Center For Human Genetics Tuebingen Variant Classification Criteria Version 2. Collection method: clinical testing. Allele origin: germline. Affected: yes. Observed: 2 variant alleles.
Comment: DCHS1: BP4